The following is an entry in ClinVar:

ClinVar aggregate classification (germline): Likely pathogenic (0 of 4 stars; one submission).

Conditions:
Pyruvate dehydrogenase E1-alpha deficiency (PDHAD). Also called: ATAXIA, INTERMITTENT, WITH PYRUVATE DEHYDROGENASE DEFICIENCY; ATAXIA WITH LACTIC ACIDOSIS I; ATAXIA, INTERMITTENT, WITH ABNORMAL PYRUVATE METABOLISM; Ataxia, intermittent, with pyruvate dehydrogenase, or decarboxylase, deficiency. Identifiers: Orphanet 79243, MedGen C1839413, MONDO:0010717, OMIM 312170.

Submission:

PDHA1 Study Group, University Children’s Hospital, Paracelsus Medical University
Classification: Likely pathogenic for Pyruvate dehydrogenase E1-alpha deficiency. Last evaluated: 2024-10-15. Review status: no assertion criteria provided. Collection method: research. Allele origin: germline. Affected: yes. Observed: 1 variant allele.
Comment: The NM_000284.3:c.269T>C (p.Phe90Ser) substitution is a missense variant in PDHA1 gene. The variant has been reported in 1 published case (PMIDs: 23021068, 8352855). Last literature search: July 12, 2024. This variant is absent or extremely rare in population-based cohorts in the Genome Aggregation Database (gnomAD). Individuals harboring this variant presented with clinical features compatible with PDHA1-related PDHc deficiency. In summary, this variant meets criteria to be classified as likely pathogenic (LP) for PDHA1-related PDHc deficiency based on the ACMG/AMP criteria applied: PS3, PM2, PM7, PP3 (last assessment October 15, 2024).

Literature cited by the submitters: PubMed 23021068; PubMed 8352855; DOI 10.1093/brain/awaf430.

NM_000284.4(PDHA1):c.269T>C (p.Phe90Ser)

Gene: PDHA1 (pyruvate dehydrogenase E1 subunit alpha 1; plus strand). Cytogenetic location: Xp22.12.
Variant type: single nucleotide variant.
Coding change: c.269T>C on transcript NM_000284.4 (MANE Select); coding-DNA position 269, T replaced by C.
Protein change: p.Phe90Ser; replaces phenylalanine 90 with serine.
Molecular consequence: missense variant.
Genome position (GRCh38, 1-based): chrX:19,350,088, T>C. VCF-style: chrX-19350088-T-C. GRCh37 (hg19) VCF-style: chrX-19368206-T-C.
Other names: c.383T>C, p.Phe128Ser (NM_001173454.2); c.269T>C, p.Phe90Ser (NM_001173455.2, NM_001173456.2); short protein forms F128S, F90S.
Identifiers: ClinVar variation 4070303 (VCV004070303.1).